The following is an entry in ClinVar:

ClinVar aggregate classification (germline): Uncertain significance. Review status: criteria provided, multiple submitters, no conflicts (2 of 4 stars). 3 submissions from 3 submitters: Uncertain significance (3). Last evaluated 2025-08-29.

Conditions:
P3H2-related disorder. Also called: P3H2-related condition.

Allele frequency attached by ClinVar (database versions not stated): gnomAD exomes 0.00002; ExAC 0.00003; gnomAD 0.00025; 1000 Genomes Project 0.00060; TOPMed 0.00065; 1000 Genomes Project 30x 0.00078.
gnomAD v4.1: 57 of 1,613,722 alleles (0.0035%); highest among the groups gnomAD compares: Admixed American, 0.082%; 1 homozygote.

Submissions (3):

PreventionGenetics, part of Exact Sciences
Classification: Uncertain significance for P3H2-related condition. Last evaluated: 2025-08-29. Review status: criteria provided, single submitter. Criteria: ACMG Guidelines, 2015. Collection method: clinical testing. Allele origin: germline.
Comment: The P3H2 c.779A>T variant is predicted to result in the amino acid substitution p.Tyr260Phe. This variant has been reported with uncertain significance in a large cohort study of retinal disease (Table S12, Diñeiro et al. 2020. PubMed ID: 32483926). This variant is present in 0.014% of alleles in individuals of Latino descent in gnomAD, and variant phasing information indicates that this variant is likely on the same allele (i.e. in cis) as c.784T>A (p.Tyr262Asn). At this time, the clinical significance of this variant is uncertain due to the absence of conclusive functional and genetic evidence.

Labcorp Genetics (formerly Invitae), Labcorp
Classification: Uncertain significance. Last evaluated: 2024-11-05. Review status: criteria provided, single submitter. Criteria: Invitae Variant Classification Sherloc (09022015). Collection method: clinical testing. Allele origin: germline.
Comment: This sequence change replaces tyrosine, which is neutral and polar, with phenylalanine, which is neutral and non-polar, at codon 260 of the P3H2 protein (p.Tyr260Phe). This variant is present in population databases (rs190460815, gnomAD 0.01%). This missense change has been observed in individual(s) with inherited retinal dystrophy (PMID: 32483926). ClinVar contains an entry for this variant (Variation ID: 842168). Invitae Evidence Modeling of protein sequence and biophysical properties (such as structural, functional, and spatial information, amino acid conservation, physicochemical variation, residue mobility, and thermodynamic stability) indicates that this missense variant is expected to disrupt P3H2 protein function with a positive predictive value of 80%. In summary, the available evidence is currently insufficient to determine the role of this variant in disease. Therefore, it has been classified as a Variant of Uncertain Significance.

Blueprint Genetics
Classification: Uncertain significance. Last evaluated: 2020-01-10. Review status: criteria provided, single submitter. Criteria: ACMG Guidelines, 2015. Collection method: clinical testing. Allele origin: germline.

Literature cited by the submitters: PubMed 32483926 (cited by Labcorp Genetics (formerly Invitae), Labcorp).

NM_018192.4(P3H2):c.779A>T (p.Tyr260Phe)

Gene: P3H2 (prolyl 3-hydroxylase 2; minus strand). Cytogenetic location: 3q28.
Variant type: single nucleotide variant.
Coding change: c.779A>T on transcript NM_018192.4 (MANE Select); coding-DNA position 779, A replaced by T.
Protein change: p.Tyr260Phe; replaces tyrosine 260 with phenylalanine.
Molecular consequence: missense variant.
Genome position (GRCh38, 1-based): chr3:189,994,138, T>A on the plus strand (A>T on the coding strand, the complement: P3H2 is on the minus strand). VCF-style: chr3-189994138-T-A. GRCh37 (hg19) VCF-style: chr3-189711927-T-A.
Other names: c.236A>T, p.Tyr79Phe (NM_001134418.2); short protein forms Y79F, Y260F.
Identifiers: ClinVar variation 842168 (VCV000842168.7), dbSNP rs190460815, ClinGen allele CA2753224.